The following is an entry in ClinVar:

NM_000245.4(MET):c.1799A>G (p.Lys600Arg)

Gene: MET (MET proto-oncogene, receptor tyrosine kinase; plus strand). Cytogenetic location: 7q31.2.
Variant type: single nucleotide variant.
Coding change: c.1799A>G on transcript NM_000245.4 (MANE Select); coding-DNA position 1799, A replaced by G.
Protein change: p.Lys600Arg; replaces lysine 600 with arginine.
Molecular consequence: missense variant.
Genome position (GRCh38, 1-based): chr7:116,755,452, A>G. VCF-style: chr7-116755452-A-G. GRCh37 (hg19) VCF-style: chr7-116395506-A-G.
Other names: c.1799A>G, p.Lys600Arg (NM_001127500.3, NM_001324401.3); c.509A>G, p.Lys170Arg (NM_001324402.2); short protein forms K170R, K600R.
Identifiers: ClinVar variation 4825348 (VCV004825348.1).

ClinVar aggregate classification (germline): Uncertain significance (1 of 4 stars; one submission).

Conditions:
Hereditary cancer-predisposing syndrome. Also called: Neoplastic Syndromes, Hereditary; Tumor predisposition; Hereditary Cancer Syndrome; Hereditary neoplastic syndrome. Identifiers: Orphanet 140162, MedGen C0027672, MeSH D009386, MONDO:0015356.

Submission:

Ambry Genetics
Classification: Uncertain significance for Hereditary cancer-predisposing syndrome. Last evaluated: 2026-01-30. Review status: criteria provided, single submitter. Criteria: Ambry Variant Classification Scheme 2023. Collection method: clinical testing. Allele origin: germline.
Comment: The p.K600R variant (also known as c.1799A>G), located in coding exon 5 of the MET gene, results from an A to G substitution at nucleotide position 1799. The lysine at codon 600 is replaced by arginine, an amino acid with highly similar properties. This amino acid position is well conserved in available vertebrate species. In addition, this alteration is predicted to be tolerated by in silico analysis. Based on the available evidence, the clinical significance of this variant remains unclear.